The following is an entry in ClinVar:

NM_004519.4(KCNQ3):c.1403A>G (p.Asn468Ser)

Gene: KCNQ3 (potassium voltage-gated channel subfamily Q member 3; minus strand). Cytogenetic location: 8q24.22.
Variant type: single nucleotide variant.
Coding change: c.1403A>G on transcript NM_004519.4 (MANE Select); coding-DNA position 1403, A replaced by G.
Protein change: p.Asn468Ser; replaces asparagine 468 with serine.
Molecular consequence: missense variant.
Genome position (GRCh38, 1-based): chr8:132,141,191, T>C on the plus strand (A>G on the coding strand, the complement: KCNQ3 is on the minus strand). VCF-style: chr8-132141191-T-C. GRCh37 (hg19) VCF-style: chr8-133153438-T-C.
Other names: p.N468S:AAT>AGT; c.1043A>G, p.Asn348Ser (NM_001204824.2); short protein forms N468S, N348S.
Identifiers: ClinVar variation 21410 (VCV000021410.24), dbSNP rs118192252, ClinGen allele CA239258.
Genomic context (GRCh38, chr8:132,141,191, plus strand): 5'-TCAGAACTCTGCCAGAAAGCGTAGGCTTTCATGCGGAAGGCCGTGCGGAAACGCTCTTTA[T>C]TGTTTAAGCCAACAGGCTTTGGTTCTTTAGAAGGACTTTCTTCTATGGCATCTACATTCA-3'
Protein context (NP_004510.1, residues 458-478): SKEPKPVGLN[Asn468Ser]KERFRTAFRM

ClinVar aggregate classification (germline): Conflicting classifications of pathogenicity. Review status: criteria provided, conflicting classifications (1 of 4 stars). 7 submissions from 7 submitters: Uncertain significance (2); Likely benign (4). 1 of the submissions does not count toward it. Last evaluated 2025-11-18.

Conditions:
KCNQ3-related disorder. Also called: KCNQ3-Related Disorders; KCNQ3-related condition. Identifiers: MedGen CN381530.
Inborn genetic diseases. Identifiers: MedGen C0950123, MeSH D030342.
Benign neonatal seizures. Also called: Benign familial neonatal epilepsy; Benign familial neonatal seizures; Benign neonatal familial convulsions; Convulsions benign familial neonatal dominant form; Autosomal dominant form of benign neonatal seizures. Identifiers: Orphanet 1949, MedGen C0220669, MONDO:0016027.
Seizures, benign familial neonatal, 2. Also called: CONVULSIONS, BENIGN FAMILIAL NEONATAL, 2; KCNQ3-Related Self-Limited Familial Neonatal Epilepsy (SLFNE); KCNQ3-Related Benign Familial Neonatal Epilepsy; Benign Neonatal Epilepsy 2; Seizures, benign neonatal, 2. Identifiers: Orphanet 1949, MedGen C1852581, MONDO:0007366, OMIM 121201.

Allele frequency attached by ClinVar (database versions not stated): gnomAD 0.00002 and 0.00005; gnomAD exomes 0.00005 and 0.00015; TOPMed 0.00005; ExAC 0.00012; 1000 Genomes Project 30x 0.00047; 1000 Genomes Project 0.00060.
gnomAD v4.1: 88 of 1,614,220 alleles (0.0055%); highest among the groups gnomAD compares: South Asian, 0.067%; no homozygotes.

Submissions (7):

PreventionGenetics, part of Exact Sciences
Classification: Uncertain significance for KCNQ3-related condition. Last evaluated: 2025-11-18. Review status: criteria provided, single submitter. Criteria: ACMG Guidelines, 2015. Collection method: clinical testing. Allele origin: germline.
Comment: The KCNQ3 c.1403A>G variant is predicted to result in the amino acid substitution p.Asn468Ser. This variant was reported in an individual with Epileptic encephalopathy, early onset (Table S2, Lee et al. 2020. PubMed ID: 32613771; Table S1, Chuan et al. 2022. PubMed ID: 35571021). Functional study did not show effect on protein function (Singh et al. 2003. PubMed ID: 14534157). This variant is reported in 0.082% of alleles in individuals of South Asian descent in gnomAD, which is higher than expected for disease causing variant in autosomal dominant disorder. Although we suspect that this variant may be benign, at this time, the clinical significance of this variant is uncertain due to the absence of conclusive functional and genetic evidence.

Labcorp Genetics (formerly Invitae), Labcorp
Classification: Likely benign for Benign neonatal seizures. Last evaluated: 2025-08-22. Review status: criteria provided, single submitter. Criteria: Invitae Variant Classification Sherloc (09022015). Collection method: clinical testing. Allele origin: germline.

Ambry Genetics
Classification: Likely benign for Inborn genetic diseases. Last evaluated: 2025-01-28. Review status: criteria provided, single submitter. Criteria: Ambry Variant Classification Scheme 2023. Collection method: clinical testing. Allele origin: germline.

GeneDx
Classification: Likely benign. Last evaluated: 2019-07-25. Review status: criteria provided, single submitter. Criteria: GeneDx Variant Classification Process June 2021. Collection method: clinical testing. Allele origin: germline. Affected: yes.
Comment: This variant is associated with the following publications: (PMID: 14534157, 32613771)

Athena Diagnostics
Classification: Likely benign. Last evaluated: 2019-03-08. Review status: criteria provided, single submitter. Criteria: Athena Diagnostics Criteria. Collection method: clinical testing. Allele origin: germline.

Eurofins Ntd Llc (ga)
Classification: Uncertain significance. Last evaluated: 2014-06-03. Review status: criteria provided, single submitter. Criteria: EGL Classification Definitions 2015. Collection method: clinical testing. Allele origin: germline. Observed: 1 variant allele, 1 heterozygote.

GeneReviews
No classification provided. Condition: Seizures, benign familial neonatal, 2. Review status: no classification provided. Collection method: literature only. Allele origin: germline. Not counted in ClinVar's aggregate classification.
Comment: All 3 sibs with the variant were affected.

Literature cited by the submitters: PubMed 14534157 (cited by 3 submitters); NCBI Bookshelf NBK201978 (cited by GeneReviews).